The following is an entry in ClinVar:

NM_000051.4(ATM):c.4520C>T (p.Thr1507Ile)

Gene: ATM (ATM serine/threonine kinase; plus strand). Cytogenetic location: 11q22.3.
Variant type: single nucleotide variant.
Coding change: c.4520C>T on transcript NM_000051.4 (MANE Select); coding-DNA position 4520, C replaced by T.
Protein change: p.Thr1507Ile; replaces threonine 1507 with isoleucine.
Molecular consequence: missense variant.
Genome position (GRCh38, 1-based): chr11:108,292,702, C>T. VCF-style: chr11-108292702-C-T. GRCh37 (hg19) VCF-style: chr11-108163429-C-T.
Other names: c.4520C>T, p.Thr1507Ile (NM_001351834.2); short protein forms T1507I.
Identifiers: ClinVar variation 419355 (VCV000419355.13), dbSNP rs1064793811, ClinGen allele CA16619183.

ClinVar aggregate classification (germline): Conflicting classifications of pathogenicity. Review status: criteria provided, conflicting classifications (1 of 4 stars). 4 submissions from 4 submitters: Uncertain significance (3); Likely benign (1). Last evaluated 2025-05-27.

Conditions:
Hereditary cancer-predisposing syndrome. Also called: Hereditary neoplastic syndrome; Hereditary Cancer Syndrome; Neoplastic Syndromes, Hereditary; Tumor predisposition. Identifiers: Orphanet 140162, MedGen C0027672, MeSH D009386, MONDO:0015356.
Ataxia-telangiectasia syndrome (AT). Also called: Ataxia-telangiectasia, complementation group D; Cerebello-oculocutaneous telangiectasia; Immunodeficiency with ataxia telangiectasia; ATAXIA-TELANGIECTASIA, COMPLEMENTATION GROUP A; ATAXIA-TELANGIECTASIA, FRESNO VARIANT; LOUIS-BAR SYNDROME. Identifiers: Orphanet 100, MedGen C0004135, MONDO:0008840, OMIM 208900.

Allele frequency attached by ClinVar (database versions not stated): gnomAD exomes below 0.00001; gnomAD 0.00001.
gnomAD v4.1: 3 of 1,613,778 alleles (0.00019%); highest among the groups gnomAD compares: East Asian, 0.0045%; no homozygotes.

Submissions (4):

Labcorp Genetics (formerly Invitae), Labcorp
Classification: Uncertain significance for Ataxia-telangiectasia syndrome. Last evaluated: 2025-05-27. Review status: criteria provided, single submitter. Criteria: Invitae Variant Classification Sherloc (09022015). Collection method: clinical testing. Allele origin: germline.
Comment: This sequence change replaces threonine, which is neutral and polar, with isoleucine, which is neutral and non-polar, at codon 1507 of the ATM protein (p.Thr1507Ile). This variant is present in population databases (no rsID available, gnomAD 0.06%). This variant has not been reported in the literature in individuals affected with ATM-related conditions. ClinVar contains an entry for this variant (Variation ID: 419355). Invitae Evidence Modeling of protein sequence and biophysical properties (such as structural, functional, and spatial information, amino acid conservation, physicochemical variation, residue mobility, and thermodynamic stability) indicates that this missense variant is not expected to disrupt ATM protein function with a negative predictive value of 95%. In summary, the available evidence is currently insufficient to determine the role of this variant in disease. Therefore, it has been classified as a Variant of Uncertain Significance.

Ambry Genetics
Classification: Likely benign for Hereditary cancer-predisposing syndrome. Last evaluated: 2024-12-17. Review status: criteria provided, single submitter. Criteria: Ambry Variant Classification Scheme 2023. Collection method: clinical testing. Allele origin: germline.

Color Diagnostics, LLC DBA Color Health
Classification: Uncertain significance for Hereditary cancer-predisposing syndrome. Last evaluated: 2024-03-06. Review status: criteria provided, single submitter. Criteria: ACMG Guidelines, 2015. Collection method: clinical testing. Allele origin: germline.
Comment: This missense variant replaces threonine with isoleucine at codon 1507 of the ATM protein. Computational prediction suggests that this variant may not impact protein structure and function (internally defined REVEL score threshold <= 0.5, PMID: 27666373). To our knowledge, functional studies have not been reported for this variant. This variant has not been reported in individuals affected with hereditary cancer in the literature. This variant has been identified in 1/31372 chromosomes in the general population by the Genome Aggregation Database (gnomAD). The available evidence is insufficient to determine the role of this variant in disease conclusively. Therefore, this variant is classified as a Variant of Uncertain Significance.

GeneDx
Classification: Uncertain significance. Last evaluated: 2015-06-30. Review status: criteria provided, single submitter. Criteria: GeneDx Variant Classification (06012015). Collection method: clinical testing. Allele origin: germline. Affected: yes.
Comment: This variant is denoted ATM c.4520C>T at the cDNA level, p.Thr1507Ile (T1507I) at the protein level, and results in the change of a Threonine to an Isoleucine (ACT>ATT). This variant has not, to our knowledge, been published in the literature as pathogenic or benign. ATM Thr1507Ile was not observed in approximately 6,500 individuals of European and African American ancestry in the NHLBI Exome Sequencing Project, indicating it is not a common benign variant in these populations. Since Threonine and Isoleucine differ in polarity, charge, size or other properties, this is considered a non-conservative amino acid substitution. ATM Thr1507Ile occurs at a position that is not conserved and is not located in a known functional domain (Stracker 2013). In silico analyses predict that this variant is unlikely to alter protein structure or function. Based on currently available information, it is unclear whether ATM Thr1507Ile is pathogenic or benign. We consider it to be a variant of uncertain significance.